The following is an entry in ClinVar:

ClinVar aggregate classification (germline): Likely benign (1 of 4 stars; one submission).

Conditions:
ZRSR2-related condition.

Submissions (2):

PreventionGenetics, part of Exact Sciences
Classification: Likely benign for ZRSR2-related condition. Last evaluated: 2026-02-06. Review status: criteria provided, single submitter. Criteria: ACMG Guidelines, 2015. Collection method: clinical testing. Allele origin: germline.
Comment: This variant is classified as likely benign based on ACMG/AMP sequence variant interpretation guidelines (Richards et al. 2015 PMID: 25741868, with internal and published modifications).

Dr. Peter K. Rogan Lab, Western University
No classification provided (evidence only). Condition: Nonpapillary renal cell carcinoma. Review status: no classification provided. Collection method: in vitro. Allele origin: not applicable. Functional consequence: retained intron. Not counted in ClinVar's aggregate classification.

NM_005089.4(ZRSR2):c.284C>T (p.Ala95Val)

Gene: ZRSR2 (zinc finger CCCH-type, RNA binding motif and serine/arginine rich 2; plus strand). Cytogenetic location: Xp22.2.
Variant type: single nucleotide variant.
Coding change: c.284C>T on transcript NM_005089.4 (MANE Select); coding-DNA position 284, C replaced by T.
Protein change: p.Ala95Val; replaces alanine 95 with valine.
Molecular consequence: missense variant.
Genome position (GRCh38, 1-based): chrX:15,803,768, C>T. VCF-style: chrX-15803768-C-T. GRCh37 (hg19) VCF-style: chrX-15821891-C-T.
Other names: NC_000023.10:g.15821891C>T; short protein forms A95V.
Identifiers: ClinVar variation 4481333 (VCV004481333.2).